The following is an entry in ClinVar:

NM_003000.3(SDHB):c.670G>C (p.Asp224His)

Gene: SDHB (succinate dehydrogenase complex iron sulfur subunit B; minus strand). Cytogenetic location: 1p36.13.
Variant type: single nucleotide variant.
Coding change: c.670G>C on transcript NM_003000.3 (MANE Select); coding-DNA position 670, G replaced by C.
Protein change: p.Asp224His; replaces aspartic acid 224 with histidine.
Molecular consequence: missense variant.
Genome position (GRCh38, 1-based): chr1:17,022,703, C>G on the plus strand (G>C on the coding strand, the complement: SDHB is on the minus strand). VCF-style: chr1-17022703-C-G. GRCh37 (hg19) VCF-style: chr1-17349198-C-G.
Other names: c.616G>C, p.Asp206His (NM_001407361.1); short protein forms D206H, D224H.
Identifiers: ClinVar variation 2925289 (VCV002925289.4), dbSNP rs780477085, ClinGen allele CA338270436.

ClinVar aggregate classification (germline): Conflicting classifications of pathogenicity. Review status: criteria provided, conflicting classifications (1 of 4 stars). 2 submissions from 2 submitters: Likely pathogenic (1); Uncertain significance (1). Last evaluated 2026-08-20.

Conditions:
Hereditary cancer-predisposing syndrome. Also called: Hereditary Cancer Syndrome; Hereditary neoplastic syndrome; Neoplastic Syndromes, Hereditary; Tumor predisposition. Identifiers: Orphanet 140162, MedGen C0027672, MeSH D009386, MONDO:0015356.
Pheochromocytoma/paraganglioma syndrome 4. Also called: SDHB-Related Hereditary Paraganglioma-Pheochromocytoma Syndrome (Paragangliomas 4); CAROTID BODY TUMORS AND MULTIPLE EXTRAADRENAL PHEOCHROMOCYTOMAS; PARAGANGLIOMA, FAMILIAL MALIGNANT; PARAGANGLIOMAS, HEREDITARY EXTRAADRENAL; PHEOCHROMOCYTOMA, FAMILIAL EXTRAADRENAL; Paragangliomas 4. Identifiers: Orphanet 29072, MedGen C1861848, MONDO:0007273, OMIM 115310.
Pheochromocytoma. Also called: MAX-Related Hereditary Paraganglioma-Pheochromocytoma Syndrome. Identifiers: Orphanet 29072, MedGen C0031511, MONDO:0008233, OMIM 171300, HP:0002666.
Gastrointestinal stromal tumor. Also called: Gastrointestinal stromal tumor, somatic; Gastrointestinal stroma tumor. Identifiers: Orphanet 44890, MedGen C0238198, MeSH D046152, MONDO:0011719, OMIM 606764, HP:0100723.

Submissions (2):

Ambry Genetics
Classification: Likely pathogenic for Hereditary cancer-predisposing syndrome. Last evaluated: 2026-08-20. Review status: criteria provided, single submitter. Criteria: Ambry Variant Classification Scheme 2023. Collection method: clinical testing. Allele origin: germline.
Comment: The p.D224H variant (also known as c.670G>C), located in coding exon 7 of the SDHB gene, results from a G to C substitution at nucleotide position 670. The aspartic acid at codon 224 is replaced by histidine, an amino acid with similar properties. This variant was reported in individual(s) with features consistent with SDHB-related hereditary pheochromocytoma-paraganglioma (Lefebvre S et al. Horm Metab Res, 2012 May;44:334-8). Based on internal structural analysis, this variant is anticipated to result in a significant decrease in structural stability and is more disruptive than known pathogenic variants (Du Z et al. Proc Natl Acad Sci U S A, 2023 May;120:e2216713120; Ambry internal data). This variant is considered to be rare based on population cohorts in the Genome Aggregation Database (gnomAD). This amino acid position is highly conserved in available vertebrate species. In addition, this alteration is predicted to be deleterious by in silico analysis. Based on the majority of available evidence to date, this variant is likely to be pathogenic.

Labcorp Genetics (formerly Invitae), Labcorp
Classification: Uncertain significance for Gastrointestinal stromal tumor; Pheochromocytoma/paraganglioma syndrome 4; Pheochromocytoma. Last evaluated: 2023-08-03. Review status: criteria provided, single submitter. Criteria: Invitae Variant Classification Sherloc (09022015). Collection method: clinical testing. Allele origin: germline.
Comment: In summary, the available evidence is currently insufficient to determine the role of this variant in disease. Therefore, it has been classified as a Variant of Uncertain Significance. Advanced modeling of protein sequence and biophysical properties (such as structural, functional, and spatial information, amino acid conservation, physicochemical variation, residue mobility, and thermodynamic stability) performed at Invitae indicates that this missense variant is expected to disrupt SDHB protein function. This sequence change replaces aspartic acid, which is acidic and polar, with histidine, which is basic and polar, at codon 224 of the SDHB protein (p.Asp224His). This variant is not present in population databases (gnomAD no frequency). This missense change has been observed in individual(s) with clinical features of paraganglioma-pheochromocytoma syndromes (PMID: 22517554, 34906457).

Literature cited by the submitters: PubMed 22517554 (cited by Ambry Genetics and Labcorp Genetics (formerly Invitae), Labcorp); PubMed 37098072 (cited by Ambry Genetics); PubMed 34906457 (cited by Labcorp Genetics (formerly Invitae), Labcorp).